The following is an entry in ClinVar:

NM_000329.3(RPE65):c.922C>T (p.Pro308Ser)

Gene: RPE65 (retinoid isomerohydrolase RPE65; minus strand). Cytogenetic location: 1p31.3.
Variant type: single nucleotide variant.
Coding change: c.922C>T on transcript NM_000329.3 (MANE Select); coding-DNA position 922, C replaced by T.
Protein change: p.Pro308Ser; replaces proline 308 with serine.
Molecular consequence: missense variant.
Genome position (GRCh38, 1-based): chr1:68,439,018, G>A on the plus strand (C>T on the coding strand, the complement: RPE65 is on the minus strand). VCF-style: chr1-68439018-G-A. GRCh37 (hg19) VCF-style: chr1-68904701-G-A.
Other names: c.814C>T, p.Pro272Ser (NM_001406853.1); c.646C>T, p.Pro216Ser (NM_001406856.1, NM_001406857.1); c.922C>T, p.Pro308Ser (NM_001406859.1); short protein forms P216S, P272S, P308S.
Identifiers: ClinVar variation 2141896 (VCV002141896.3), dbSNP rs1196303805, ClinGen allele CA340744887.
Genomic context (GRCh38, chr1:68,439,018, plus strand): 5'-GATCCACAATCAGAAACCCATTGTCTTCATAGGTGTTGATGTGATGGAAGAGGTTGAAAG[G>A]AGAAGTTCTGTATTTATTATTGAGGTACTTTTTCCTTTTTTTGTCAGCAATATGAAGCCA-3'
Protein context (NP_000320.1, residues 298-318): KYLNNKYRTS[Pro308Ser]FNLFHHINTY

ClinVar aggregate classification (germline): Uncertain significance (1 of 4 stars; one submission).

Conditions:
Leber congenital amaurosis 2 (LCA2). Also called: Autosomal Recessive RPE65-Related Retinal Degeneration; AMAUROSIS CONGENITA OF LEBER II. Identifiers: Orphanet 65, MedGen C1859844, MONDO:0008765, OMIM 204100. Disease mechanism: loss of function.
Retinitis pigmentosa 20 (RP20). Identifiers: Orphanet 791, MedGen C3151086, MONDO:0013425, OMIM 613794.

Allele frequency attached by ClinVar (database versions not stated): gnomAD exomes below 0.00001; gnomAD 0.00001; TOPMed 0.00001.
gnomAD v4.1: 8 of 1,613,964 alleles (0.0005%); highest among the groups gnomAD compares: Admixed American, 0.0017%; no homozygotes.

Submission:

Labcorp Genetics (formerly Invitae), Labcorp
Classification: Uncertain significance for Leber congenital amaurosis 2; Retinitis pigmentosa 20. Last evaluated: 2025-02-17. Review status: criteria provided, single submitter. Criteria: Invitae Variant Classification Sherloc (09022015). Collection method: clinical testing. Allele origin: germline.
Comment: This sequence change replaces proline, which is neutral and non-polar, with serine, which is neutral and polar, at codon 308 of the RPE65 protein (p.Pro308Ser). This variant is present in population databases (no rsID available, gnomAD 0.003%). This variant has not been reported in the literature in individuals affected with RPE65-related conditions. ClinVar contains an entry for this variant (Variation ID: 2141896). Invitae Evidence Modeling of protein sequence and biophysical properties (such as structural, functional, and spatial information, amino acid conservation, physicochemical variation, residue mobility, and thermodynamic stability) indicates that this missense variant is not expected to disrupt RPE65 protein function with a negative predictive value of 80%. In summary, the available evidence is currently insufficient to determine the role of this variant in disease. Therefore, it has been classified as a Variant of Uncertain Significance.